The following is an entry in ClinVar:

NM_004360.5(CDH1):c.2560G>T (p.Asp854Tyr)

Gene: CDH1 (cadherin 1; plus strand). Cytogenetic location: 16q22.1.
Variant type: single nucleotide variant.
Coding change: c.2560G>T on transcript NM_004360.5 (MANE Select); coding-DNA position 2560, G replaced by T.
Protein change: p.Asp854Tyr; replaces aspartic acid 854 with tyrosine.
Molecular consequence: missense variant.
Genome position (GRCh38, 1-based): chr16:68,833,410, G>T. VCF-style: chr16-68833410-G-T. GRCh37 (hg19) VCF-style: chr16-68867313-G-T.
Other names: c.2377G>T, p.Asp793Tyr (NM_001317184.2); c.1012G>T, p.Asp338Tyr (NM_001317185.2); c.595G>T, p.Asp199Tyr (NM_001317186.2); short protein forms D854Y, D338Y, D199Y, D793Y.
Identifiers: ClinVar variation 2728492 (VCV002728492.3), dbSNP rs1555518257, ClinGen allele CA396472454.
Genomic context (GRCh38, chr16:68,833,410, plus strand): 5'-GACTATGAAGGAAGCGGTTCCGAAGCTGCTAGTCTGAGCTCCCTGAACTCCTCAGAGTCA[G>T]ACAAAGACCAGGACTATGACTACTTGAACGAATGGGGCAATCGCTTCAAGAAGCTGGCTG-3'
Protein context (NP_004351.1, residues 844-864): SLSSLNSSES[Asp854Tyr]KDQDYDYLNE

ClinVar aggregate classification (germline): Uncertain significance (1 of 4 stars; one submission).

Conditions:
Hereditary diffuse gastric adenocarcinoma (HDGC). Also called: DIFFUSE GASTRIC AND LOBULAR BREAST CANCER SYNDROME. Identifiers: Orphanet 26106, MedGen C1708349, MONDO:0007648, OMIM 137215.

Submission:

Labcorp Genetics (formerly Invitae), Labcorp
Classification: Uncertain significance for Hereditary diffuse gastric adenocarcinoma. Last evaluated: 2023-06-25. Review status: criteria provided, single submitter. Criteria: Invitae Variant Classification Sherloc (09022015). Collection method: clinical testing. Allele origin: germline.
Comment: This variant has not been reported in the literature in individuals affected with CDH1-related conditions. An algorithm developed to predict the effect of missense changes on protein structure and function (PolyPhen-2) suggests that this variant is likely to be disruptive. In summary, the available evidence is currently insufficient to determine the role of this variant in disease. Therefore, it has been classified as a Variant of Uncertain Significance. This variant is not present in population databases (gnomAD no frequency). This sequence change replaces aspartic acid, which is acidic and polar, with tyrosine, which is neutral and polar, at codon 854 of the CDH1 protein (p.Asp854Tyr).